The following is an entry in ClinVar:

NM_000258.3(MYL3):c.*13G>T

Gene: MYL3 (myosin light chain 3; minus strand). Cytogenetic location: 3p21.31.
Variant type: single nucleotide variant.
Coding change: c.*13G>T on transcript NM_000258.3 (MANE Select); 13 bases downstream of the stop codon, G replaced by T.
Molecular consequence: 3 prime UTR variant.
Genome position (GRCh38, 1-based): chr3:46,858,231, C>A on the plus strand (G>T on the coding strand, the complement: MYL3 is on the minus strand). VCF-style: chr3-46858231-C-A. GRCh37 (hg19) VCF-style: chr3-46899721-C-A.
Other names: c.*13G>T (NM_001406937.1, NM_001406938.1, NM_001406939.1 and 2 more transcripts).
Identifiers: ClinVar variation 4984781 (VCV004984781.1).

ClinVar aggregate classification (germline): Likely benign (1 of 4 stars; one submission).

Conditions:
MYL3-related disorder. Also called: MYL3-related condition.

gnomAD v4.1: 8 of 1,614,150 alleles (0.0005%); highest among the groups gnomAD compares: Admixed American, 0.013%; no homozygotes.

Submission:

PreventionGenetics, part of Exact Sciences
Classification: Likely benign for MYL3-related condition. Last evaluated: 2026-02-12. Review status: criteria provided, single submitter. Criteria: ACMG Guidelines, 2015. Collection method: clinical testing. Allele origin: germline.
Comment: This variant is classified as likely benign based on ACMG/AMP sequence variant interpretation guidelines (Richards et al. 2015 PMID: 25741868, with internal and published modifications).